The following is an entry in ClinVar:

ClinVar aggregate classification (germline): Likely benign (0 of 4 stars; one submission).

Conditions:
PSTPIP1-related disorder. Also called: PSTPIP1-related condition.

Submission:

PreventionGenetics, part of Exact Sciences
Classification: Likely benign for PSTPIP1-related condition. Last evaluated: 2024-02-06. Review status: no assertion criteria provided. Collection method: clinical testing. Allele origin: germline.
Comment: This variant is classified as likely benign based on ACMG/AMP sequence variant interpretation guidelines (Richards et al. 2015 PMID: 25741868, with internal and published modifications).

NM_003978.5(PSTPIP1):c.642G>A (p.Glu214=)

Gene: PSTPIP1 (proline-serine-threonine phosphatase interacting protein 1; plus strand). Cytogenetic location: 15q24.3.
Variant type: single nucleotide variant.
Coding change: c.642G>A on transcript NM_003978.5 (MANE Select); coding-DNA position 642, G replaced by A.
Protein change: p.Glu214=; no amino-acid change (glutamic acid 214 retained).
Molecular consequence: synonymous variant.
Genome position (GRCh38, 1-based): chr15:77,030,581, G>A. VCF-style: chr15-77030581-G-A. GRCh37 (hg19) VCF-style: chr15-77322922-G-A.
Other names: c.642G>A, p.Glu214= (NM_001321135.2, NM_001411086.1); c.615G>A, p.Glu205= (NM_001321136.2); c.837G>A, p.Glu279= (NM_001321137.1).
Identifiers: ClinVar variation 3061275 (VCV003061275.2), dbSNP rs2076390591, ClinGen allele CA491335857.